The following is an entry in ClinVar:

NM_000097.7(CPOX):c.212G>C (p.Gly71Ala)

Genes: CPOX (coproporphyrinogen oxidase; minus strand), LOC129937121 (ATAC-STARR-seq lymphoblastoid silent region 14560; plus strand). Cytogenetic location: 3q11.2.
Variant type: single nucleotide variant.
Coding change: c.212G>C on transcript NM_000097.7 (MANE Select); coding-DNA position 212, G replaced by C.
Protein change: p.Gly71Ala; replaces glycine 71 with alanine.
Molecular consequence: missense variant.
Genome position (GRCh38, 1-based): chr3:98,593,293, C>G on the plus strand (G>C on the coding strand, the complement: CPOX is on the minus strand). VCF-style: chr3-98593293-C-G. GRCh37 (hg19) VCF-style: chr3-98312137-C-G.
Other names: short protein forms G71A.
Identifiers: ClinVar variation 901085 (VCV000901085.11), dbSNP rs572522263, ClinGen allele CA2511753.
Genomic context (GRCh38, chr3:98,593,293, plus strand): 5'-GCGGTGGCCAGCCCCACCAACCCCGCCAGCGCCGCGGCCAGCCCTGTCCCCACCCAGGGG[C>G]CGCCTCTCGACGTCGAGCCGTGCCCCAGCCCGCGGCTCTGCTCCGTGCCAGCCGGGCCAG-3'
Protein context (NP_000088.3, residues 61-81): GLGHGSTSRG[Gly71Ala]PWVGTGLAAA

ClinVar aggregate classification (germline): Conflicting classifications of pathogenicity. Review status: criteria provided, conflicting classifications (1 of 4 stars). 5 submissions from 5 submitters: Uncertain significance (2); Benign (2); Likely benign (1). Last evaluated 2026-01-14.

Conditions:
Inborn genetic diseases. Identifiers: MedGen C0950123, MeSH D030342.
Hereditary coproporphyria (HCP). Also called: Hereditary coproporphyria porphyria; Porphyria hepatica coproporphyria; Porphyria hepatica II; CPRO deficiency; COPROPORPHYRINOGEN OXIDASE DEFICIENCY; CPO DEFICIENCY. Identifiers: Orphanet 79273, MedGen C0162531, MONDO:0007369, OMIM 121300.
CPOX-related disorder. Also called: CPOX-related condition; CPOX-related disorders.

Allele frequency attached by ClinVar (database versions not stated): 1000 Genomes Project 30x 0.00234; gnomAD exomes 0.00012 and 0.00043; ExAC 0.00042; gnomAD 0.00137 and 0.00143; TOPMed 0.00146; 1000 Genomes Project 0.00220.
gnomAD v4.1: 373 of 1,450,072 alleles (0.026%); highest among the groups gnomAD compares: African/African-American, 0.48%; no homozygotes.

Submissions (5):

Labcorp Genetics (formerly Invitae), Labcorp
Classification: Uncertain significance. Last evaluated: 2026-01-14. Review status: criteria provided, single submitter. Criteria: Invitae Variant Classification Sherloc (09022015). Collection method: clinical testing. Allele origin: germline.
Comment: This sequence change replaces glycine, which is neutral and non-polar, with alanine, which is neutral and non-polar, at codon 71 of the CPOX protein (p.Gly71Ala). This variant is present in population databases (rs572522263, gnomAD 0.4%), and has an allele count higher than expected for a pathogenic variant. This variant has not been reported in the literature in individuals affected with CPOX-related conditions. ClinVar contains an entry for this variant (Variation ID: 901085). An algorithm developed to predict the effect of missense changes on protein structure and function (PolyPhen-2) suggests that this variant is likely to be tolerated. In summary, the available evidence is currently insufficient to determine the role of this variant in disease. Therefore, it has been classified as a Variant of Uncertain Significance.

PreventionGenetics, part of Exact Sciences
Classification: Likely benign for CPOX-related condition. Last evaluated: 2025-12-02. Review status: criteria provided, single submitter. Criteria: ACMG Guidelines, 2015. Collection method: clinical testing. Allele origin: germline.
Comment: This variant is classified as likely benign based on ACMG/AMP sequence variant interpretation guidelines (Richards et al. 2015 PMID: 25741868, with internal and published modifications).

Ambry Genetics
Classification: Uncertain significance for Inborn genetic diseases. Last evaluated: 2025-04-18. Review status: criteria provided, single submitter. Criteria: Ambry Variant Classification Scheme 2023. Collection method: clinical testing. Allele origin: germline.

Illumina Laboratory Services, Illumina
Classification: Benign for Hereditary coproporphyria. Last evaluated: 2018-01-13. Review status: criteria provided, single submitter. Criteria: ICSL Variant Classification Criteria 13 December 2019. Collection method: clinical testing. Allele origin: germline.
Comment: This variant was observed in the ICSL laboratory as part of a predisposition screen in an ostensibly healthy population. It had not been previously curated by ICSL or reported in the Human Gene Mutation Database (HGMD: prior to June 1st, 2018), and was therefore a candidate for classification through an automated scoring system. Utilizing variant allele frequency, disease prevalence and penetrance estimates, and inheritance mode, an automated score was calculated to assess if this variant is too frequent to cause the disease. Based on the score and internal cut-off values, a variant classified as benign is not then subjected to further curation. The score for this variant resulted in a classification of benign for this disease.

Breakthrough Genomics
Classification: Benign. Review status: criteria provided, single submitter. Criteria: ACMG Guidelines, 2015. Collection method: not provided. Allele origin: germline. Inheritance: Autosomal recessive inheritance. Affected: yes.